The following is an entry in ClinVar:

ClinVar aggregate classification (germline): Uncertain significance (1 of 4 stars; one submission).

Conditions:
Cardiac arrhythmia. Also called: Arrhythmia; Cardiac rhythm disease. Identifiers: MedGen C0003811, MONDO:0007263, HP:0011675.

gnomAD v4.1: 20 of 1,613,338 alleles (0.0012%); highest among the groups gnomAD compares: South Asian, 0.022%; no homozygotes.

Submission:

Color Diagnostics, LLC DBA Color Health
Classification: Uncertain significance for Cardiac arrhythmia. Last evaluated: 2025-06-30. Review status: criteria provided, single submitter. Criteria: ACMG Guidelines, 2015. Collection method: clinical testing. Allele origin: germline.
Comment: This variant causes a T to C nucleotide substitution at the +6 position of intron 9/15 of the KCNQ1 gene. To our knowledge, functional studies have not been reported for this variant. This variant has not been reported in individuals affected with KCNQ1-related disorders in the literature. This variant has been identified in 6/250990 chromosomes in the general population by the Genome Aggregation Database (gnomAD). The available evidence is insufficient to determine the role of this variant in disease conclusively. Therefore, this variant is classified as a Variant of Uncertain Significance.

NM_000218.3(KCNQ1):c.1251+6T>C

Gene: KCNQ1 (potassium voltage-gated channel subfamily Q member 1; plus strand). Cytogenetic location: 11p15.5.
Variant type: single nucleotide variant.
Coding change: c.1251+6T>C on transcript NM_000218.3 (MANE Select); 6 bases into the intron after coding-DNA position 1251, T replaced by C.
Molecular consequence: intron variant.
Genome position (GRCh38, 1-based): chr11:2,587,698, T>C. VCF-style: chr11-2587698-T-C. GRCh37 (hg19) VCF-style: chr11-2608928-T-C.
Other names: c.981+6T>C (NM_001406837.1); c.1155+6T>C (NM_001406836.1); c.711+6T>C (NM_001406838.1); c.870+6T>C (NM_181798.2).
Identifiers: ClinVar variation 4758605 (VCV004758605.1).